The following is an entry in ClinVar:

NM_000338.3(SLC12A1):c.1278C>T (p.Tyr426=)

Gene: SLC12A1 (solute carrier family 12 member 1; plus strand). Cytogenetic location: 15q21.1.
Variant type: single nucleotide variant.
Coding change: c.1278C>T on transcript NM_000338.3 (MANE Select); coding-DNA position 1278, C replaced by T.
Protein change: p.Tyr426=; no amino-acid change (tyrosine 426 retained).
Molecular consequence: synonymous variant.
Genome position (GRCh38, 1-based): chr15:48,241,577, C>T. VCF-style: chr15-48241577-C-T. GRCh37 (hg19) VCF-style: chr15-48533774-C-T.
Other names: c.1278C>T (NM_000338.2); c.1278C>T, p.Tyr426= (NM_001184832.2, NM_001384136.1).
Identifiers: ClinVar variation 1635647 (VCV001635647.9), dbSNP rs139225683, ClinGen allele CA7547033.

ClinVar aggregate classification (germline): Likely benign. Review status: criteria provided, multiple submitters, no conflicts (2 of 4 stars). 2 submissions from 2 submitters: Likely benign (2). Last evaluated 2025-12-29.

Conditions:
SLC12A1-related disorder. Also called: SLC12A1-related condition.

Allele frequency attached by ClinVar (database versions not stated): gnomAD exomes 0.00005 and 0.00006; ExAC 0.00007; ESP Exome Variant Server 0.00008; TOPMed 0.00008; gnomAD 0.00011 and 0.00012; 1000 Genomes Project 30x 0.00016; 1000 Genomes Project 0.00020.
gnomAD v4.1: 107 of 1,613,666 alleles (0.0066%); highest among the groups gnomAD compares: Middle Eastern, 0.13%; 2 homozygotes.

Submissions (2):

Labcorp Genetics (formerly Invitae), Labcorp
Classification: Likely benign. Last evaluated: 2025-12-29. Review status: criteria provided, single submitter. Criteria: Invitae Variant Classification Sherloc (09022015). Collection method: clinical testing. Allele origin: germline.

PreventionGenetics, part of Exact Sciences
Classification: Likely benign for SLC12A1-related condition. Last evaluated: 2024-10-10. Review status: criteria provided, single submitter. Criteria: ACMG Guidelines, 2015. Collection method: clinical testing. Allele origin: germline.
Comment: This variant is classified as likely benign based on ACMG/AMP sequence variant interpretation guidelines (Richards et al. 2015 PMID: 25741868, with internal and published modifications).